The following is an entry in ClinVar:

NM_020778.5(ALPK3):c.3835A>C (p.Lys1279Gln)

Gene: ALPK3 (alpha kinase 3; plus strand). Cytogenetic location: 15q25.3.
Variant type: single nucleotide variant.
Coding change: c.3835A>C on transcript NM_020778.5 (MANE Select); coding-DNA position 3835, A replaced by C.
Protein change: p.Lys1279Gln; replaces lysine 1279 with glutamine.
Molecular consequence: missense variant.
Genome position (GRCh38, 1-based): chr15:84,859,260, A>C. VCF-style: chr15-84859260-A-C. GRCh37 (hg19) VCF-style: chr15-85402491-A-C.
Other names: short protein forms K1279Q.
Identifiers: ClinVar variation 2693593 (VCV002693593.3), dbSNP rs2505723865, ClinGen allele CA393361189.

ClinVar aggregate classification (germline): Uncertain significance (1 of 4 stars; one submission).

Allele frequency attached by ClinVar (database versions not stated): gnomAD exomes below 0.00001.

Submission:

Labcorp Genetics (formerly Invitae), Labcorp
Classification: Uncertain significance. Last evaluated: 2023-11-06. Review status: criteria provided, single submitter. Criteria: Invitae Variant Classification Sherloc (09022015). Collection method: clinical testing. Allele origin: germline.
Comment: This sequence change replaces lysine, which is basic and polar, with glutamine, which is neutral and polar, at codon 1481 of the ALPK3 protein (p.Lys1481Gln). This variant is not present in population databases (gnomAD no frequency). This variant has not been reported in the literature in individuals affected with ALPK3-related conditions. An algorithm developed to predict the effect of missense changes on protein structure and function (PolyPhen-2) suggests that this variant is likely to be disruptive. In summary, the available evidence is currently insufficient to determine the role of this variant in disease. Therefore, it has been classified as a Variant of Uncertain Significance.